The following is an entry in ClinVar:

ClinVar aggregate classification (germline): Benign/Likely benign. Review status: criteria provided, multiple submitters, no conflicts (2 of 4 stars). 5 submissions from 5 submitters: Benign (4); Likely benign (1). Last evaluated 2026-08-01.

Allele frequency attached by ClinVar (database versions not stated): 1000 Genomes Project 0.00220; 1000 Genomes Project 30x 0.00250; ESP Exome Variant Server 0.00323; TOPMed 0.00337; gnomAD 0.00382 and 0.00398; gnomAD exomes 0.00497 and 0.00578; ExAC 0.00580.
gnomAD v4.1: 8,890 of 1,604,432 alleles (0.55%); highest among the groups gnomAD compares: Non-Finnish European, 0.64%; 48 homozygotes.

Submissions (5):

CeGaT Center for Human Genetics Tuebingen
Classification: Likely benign. Last evaluated: 2026-08-01. Review status: criteria provided, single submitter. Criteria: CeGaT Center For Human Genetics Tuebingen Variant Classification Criteria Version 2. Collection method: clinical testing. Allele origin: germline. Affected: yes. Observed: 11 variant alleles.
Comment: MRPL44: BP4, BP7, BS2

Labcorp Genetics (formerly Invitae), Labcorp
Classification: Benign. Last evaluated: 2026-02-01. Review status: criteria provided, single submitter. Criteria: Invitae Variant Classification Sherloc (09022015). Collection method: clinical testing. Allele origin: germline.

Mayo Clinic Laboratories, Mayo Clinic
Classification: Benign. Last evaluated: 2020-01-08. Review status: criteria provided, single submitter. Criteria: ACMG Guidelines, 2015. Collection method: clinical testing. Allele origin: germline. Observed: 6 variant alleles.

GeneDx
Classification: Benign. Last evaluated: 2014-03-14. Review status: criteria provided, single submitter. Criteria: GeneDx Variant Classification (06012015). Collection method: clinical testing. Allele origin: germline. Affected: yes.
Comment: This variant is considered likely benign or benign based on one or more of the following criteria: it is a conservative change, it occurs at a poorly conserved position in the protein, it is predicted to be benign by multiple in silico algorithms, and/or has population frequency not consistent with disease.

Breakthrough Genomics
Classification: Benign. Review status: criteria provided, single submitter. Criteria: ACMG Guidelines, 2015. Collection method: not provided. Allele origin: germline. Inheritance: Autosomal recessive inheritance. Affected: yes.

NM_022915.5(MRPL44):c.672T>A (p.Thr224=)

Gene: MRPL44 (mitochondrial ribosomal protein L44; plus strand). Cytogenetic location: 2q36.1.
Variant type: single nucleotide variant.
Coding change: c.672T>A on transcript NM_022915.5 (MANE Select); coding-DNA position 672, T replaced by A.
Protein change: p.Thr224=; no amino-acid change (threonine 224 retained).
Molecular consequence: synonymous variant.
Genome position (GRCh38, 1-based): chr2:223,963,779, T>A. VCF-style: chr2-223963779-T-A. GRCh37 (hg19) VCF-style: chr2-224828496-T-A.
Other names: p.T224T:ACT>ACA; p.Thr224=.
Identifiers: ClinVar variation 138246 (VCV000138246.37), dbSNP rs75696641, ClinGen allele CA292134.
Genomic context (GRCh38, chr2:223,963,779, plus strand): 5'-ACTAATTAAAATGTATAAATTATATTTTTATATGCAGGACTTCTTAATTACTCAAATGAC[T>A]GGAAAAGAGCTCTTTGAGATGTGGAAGATAATAAATCCCATGGGGCTATTGGTAGAAGAA-3'
Protein context (NP_075066.1, residues 214-234): FIRDFLITQM[Thr224=]GKELFEMWKI